The following is an entry in ClinVar:

ClinVar aggregate classification (germline): Benign (0 of 4 stars; one submission).

Conditions:
C1R-related disorder. Also called: C1R-related condition.

Allele frequency attached by ClinVar (database versions not stated): TOPMed 0.00025; gnomAD 0.00109; gnomAD exomes 0.00325; 1000 Genomes Project 30x 0.00671; 1000 Genomes Project 0.00699; ExAC 0.01200.

Submission:

PreventionGenetics, part of Exact Sciences
Classification: Benign for C1R-related condition. Last evaluated: 2019-06-27. Review status: no assertion criteria provided. Collection method: clinical testing. Allele origin: germline.
Comment: This variant is classified as benign based on ACMG/AMP sequence variant interpretation guidelines (Richards et al. 2015 PMID: 25741868, with internal and published modifications).

NM_001733.7(C1R):c.3-93G>A

Gene: C1R (complement C1r; minus strand). Cytogenetic location: 12p13.31.
Variant type: single nucleotide variant.
Coding change: c.3-93G>A on transcript NM_001733.7 (MANE Select); 93 bases into the intron before coding-DNA position 3, G replaced by A.
Molecular consequence: intron variant. On other transcripts: nonsense (1).
Genome position (GRCh38, 1-based): chr12:7,091,773, C>T on the plus strand (G>A on the coding strand, the complement: C1R is on the minus strand). VCF-style: chr12-7091773-C-T. GRCh37 (hg19) VCF-style: chr12-7244369-C-T.
Other names: c.44G>A, p.Trp15Ter (NM_001354346.2); short protein forms W15*.
Identifiers: ClinVar variation 3042989 (VCV003042989.2), dbSNP rs367785162, ClinGen allele CA6424348.